The following is an entry in ClinVar:

NM_001371904.1(APOA5):c.905C>T (p.Ala302Val)

Gene: APOA5 (apolipoprotein A5; minus strand). Cytogenetic location: 11q23.3.
Variant type: single nucleotide variant.
Coding change: c.905C>T on transcript NM_001371904.1 (MANE Select); coding-DNA position 905, C replaced by T.
Protein change: p.Ala302Val; replaces alanine 302 with valine.
Molecular consequence: missense variant.
Genome position (GRCh38, 1-based): chr11:116,790,324, G>A on the plus strand (C>T on the coding strand, the complement: APOA5 is on the minus strand). VCF-style: chr11-116790324-G-A. GRCh37 (hg19) VCF-style: chr11-116661040-G-A.
Other names: c.905C>T, p.Ala302Val (NM_001166598.2, NM_052968.5); c.905C>T (NM_052968.4); short protein forms A302V.
Identifiers: ClinVar variation 1440853 (VCV001440853.9), dbSNP rs775577612, ClinGen allele CA6288961.

ClinVar aggregate classification (germline): Uncertain significance. Review status: criteria provided, multiple submitters, no conflicts (2 of 4 stars). 2 submissions from 2 submitters: Uncertain significance (2). Last evaluated 2023-12-12.

Conditions:
Cardiovascular phenotype. Identifiers: MedGen CN230736.

Allele frequency attached by ClinVar (database versions not stated): gnomAD 0.00001; gnomAD exomes 0.00001 and 0.00002; TOPMed 0.00001; ExAC 0.00002.

Submissions (2):

Ambry Genetics
Classification: Uncertain significance for Cardiovascular phenotype. Last evaluated: 2023-12-12. Review status: criteria provided, single submitter. Criteria: Ambry Variant Classification Scheme 2023. Collection method: clinical testing. Allele origin: germline.
Comment: The p.A302V variant (also known as c.905C>T), located in coding exon 3 of the APOA5 gene, results from a C to T substitution at nucleotide position 905. The alanine at codon 302 is replaced by valine, an amino acid with similar properties. This amino acid position is conserved. In addition, the in silico prediction for this alteration is inconclusive. Since supporting evidence is limited at this time, the clinical significance of this alteration remains unclear.

Labcorp Genetics (formerly Invitae), Labcorp
Classification: Uncertain significance. Last evaluated: 2021-06-08. Review status: criteria provided, single submitter. Criteria: Invitae Variant Classification Sherloc (09022015). Collection method: clinical testing. Allele origin: germline.
Comment: In summary, the available evidence is currently insufficient to determine the role of this variant in disease. Therefore, it has been classified as a Variant of Uncertain Significance. Algorithms developed to predict the effect of missense changes on protein structure and function are either unavailable or do not agree on the potential impact of this missense change (SIFT: "Deleterious"; PolyPhen-2: "Possibly Damaging"; Align-GVGD: "Class C0"). This variant has not been reported in the literature in individuals with APOA5-related conditions. This variant is present in population databases (rs775577612, ExAC 0.003%). This sequence change replaces alanine with valine at codon 302 of the APOA5 protein (p.Ala302Val). The alanine residue is highly conserved and there is a small physicochemical difference between alanine and valine.